The following is an entry in ClinVar:

NM_002519.3(NPAT):c.3013A>G (p.Lys1005Glu)

Gene: NPAT (nuclear protein, coactivator of histone transcription; minus strand). Cytogenetic location: 11q22.3.
Variant type: single nucleotide variant.
Coding change: c.3013A>G on transcript NM_002519.3 (MANE Select); coding-DNA position 3013, A replaced by G.
Protein change: p.Lys1005Glu; replaces lysine 1005 with glutamic acid.
Molecular consequence: missense variant.
Genome position (GRCh38, 1-based): chr11:108,162,178, T>C on the plus strand (A>G on the coding strand, the complement: NPAT is on the minus strand). VCF-style: chr11-108162178-T-C. GRCh37 (hg19) VCF-style: chr11-108032905-T-C.
Other names: c.3013A>G, p.Lys1005Glu (NM_001321307.1); short protein forms K1005E.
Identifiers: ClinVar variation 1798825 (VCV001798825.2), dbSNP rs2496698053, ClinGen allele CA382511731.

ClinVar aggregate classification (germline): Uncertain significance (1 of 4 stars; one submission).

Allele frequency attached by ClinVar (database versions not stated): gnomAD exomes below 0.00001.
gnomAD v4.1: 3 of 1,613,046 alleles (0.00019%); highest among the groups gnomAD compares: Non-Finnish European, 0.00025%; no homozygotes.

Submission:

Ambry Genetics
Classification: Uncertain significance. Last evaluated: 2022-03-04. Review status: criteria provided, single submitter. Criteria: Ambry Variant Classification Scheme 2023. Collection method: clinical testing. Allele origin: germline.
Comment: The p.K1005E variant (also known as c.3013A>G), located in coding exon 16 of the NPAT gene, results from an A to G substitution at nucleotide position 3013. The lysine at codon 1005 is replaced by glutamic acid, an amino acid with similar properties. This amino acid position is conserved. In addition, this alteration is predicted to be tolerated by in silico analysis. Since supporting evidence is limited at this time, the clinical significance of this alteration remains unclear.